The following is an entry in ClinVar:

NM_001349798.2(FBXW7):c.104G>A (p.Arg35His)

Gene: FBXW7 (F-box and WD repeat domain containing 7; minus strand). Cytogenetic location: 4q31.3.
Variant type: single nucleotide variant.
Coding change: c.104G>A on transcript NM_001349798.2 (MANE Select); coding-DNA position 104, G replaced by A.
Protein change: p.Arg35His; replaces arginine 35 with histidine.
Molecular consequence: missense variant.
Genome position (GRCh38, 1-based): chr4:152,411,700, C>T on the plus strand (G>A on the coding strand, the complement: FBXW7 is on the minus strand). VCF-style: chr4-152411700-C-T. GRCh37 (hg19) VCF-style: chr4-153332852-C-T.
Other names: c.104G>A, p.Arg35His (NM_001257069.1, NM_033632.3); short protein forms R35H.
Identifiers: ClinVar variation 3659407 (VCV003659407.2).

ClinVar aggregate classification (germline): Uncertain significance (1 of 4 stars; one submission).

gnomAD v4.1: 28 of 1,613,822 alleles (0.0017%); highest among the groups gnomAD compares: African/African-American, 0.021%; no homozygotes.

Submission:

Labcorp Genetics (formerly Invitae), Labcorp
Classification: Uncertain significance. Last evaluated: 2025-02-27. Review status: criteria provided, single submitter. Criteria: Invitae Variant Classification Sherloc (09022015). Collection method: clinical testing. Allele origin: germline.
Comment: This sequence change replaces arginine, which is basic and polar, with histidine, which is basic and polar, at codon 35 of the FBXW7 protein (p.Arg35His). This variant is present in population databases (rs199629238, gnomAD 0.05%), and has an allele count higher than expected for a pathogenic variant. This variant has not been reported in the literature in individuals affected with FBXW7-related conditions. Experimental studies and prediction algorithms are not available or were not evaluated, and the functional significance of this variant is currently unknown. In summary, the available evidence is currently insufficient to determine the role of this variant in disease. Therefore, it has been classified as a Variant of Uncertain Significance.